The following is an entry in ClinVar:

ClinVar aggregate classification (germline): Uncertain significance. Review status: criteria provided, multiple submitters, no conflicts (2 of 4 stars). 4 submissions from 4 submitters: Uncertain significance (4). Last evaluated 2026-04-01.

Conditions:
Charcot-Marie-Tooth disease axonal type 2S. Also called: CHARCOT-MARIE-TOOTH NEUROPATHY, TYPE 2S; CHARCOT-MARIE-TOOTH DISEASE, AXONAL, AUTOSOMAL RECESSIVE, TYPE 2S. Identifiers: Orphanet 443073, MedGen C4015349, MONDO:0014511, OMIM 616155.
Autosomal recessive distal spinal muscular atrophy 1. Also called: Spinal muscular atrophy with respiratory distress 1; HMN VI; NEURONOPATHY, SEVERE INFANTILE AXONAL, WITH RESPIRATORY FAILURE; NEURONOPATHY, DISTAL HEREDITARY MOTOR, HARDING TYPE VI; NEUROPATHY, DISTAL HEREDITARY MOTOR, AUTOSOMAL RECESSIVE 1; SEVERE INFANTILE AXONAL NEUROPATHY WITH RESPIRATORY FAILURE. Identifiers: Orphanet 98920, MedGen C1858517, MONDO:0011436, OMIM 604320.
Charcot-Marie-Tooth disease. Also called: Charcot-Marie-Tooth Neuropathy; Charcot-Marie-Tooth Hereditary Neuropathy. Identifiers: Orphanet 166, MedGen C0007959, MONDO:0015626.

Allele frequency attached by ClinVar (database versions not stated): gnomAD 0.00001; gnomAD exomes 0.00004; TOPMed 0.00005; ExAC 0.00007.
gnomAD v4.1: 38 of 1,614,032 alleles (0.0024%); highest among the groups gnomAD compares: Non-Finnish European, 0.003%; no homozygotes.

Submissions (4):

CeGaT Center for Human Genetics Tuebingen
Classification: Uncertain significance. Last evaluated: 2026-04-01. Review status: criteria provided, single submitter. Criteria: CeGaT Center For Human Genetics Tuebingen Variant Classification Criteria Version 2. Collection method: clinical testing. Allele origin: germline. Affected: yes. Observed: 1 variant allele.
Comment: IGHMBP2: PM2

Department of Pathology and Laboratory Medicine, Sinai Health System
Classification: Uncertain significance for Autosomal recessive distal spinal muscular atrophy 1; Charcot-Marie-Tooth disease axonal type 2S. Last evaluated: 2023-02-28. Review status: criteria provided, single submitter. Criteria: ACMG Guidelines, 2015. Collection method: research. Allele origin: germline.

Labcorp Genetics (formerly Invitae), Labcorp
Classification: Uncertain significance for Autosomal recessive distal spinal muscular atrophy 1; Charcot-Marie-Tooth disease axonal type 2S. Last evaluated: 2022-06-28. Review status: criteria provided, single submitter. Criteria: Invitae Variant Classification Sherloc (09022015). Collection method: clinical testing. Allele origin: germline.
Comment: This sequence change replaces arginine, which is basic and polar, with leucine, which is neutral and non-polar, at codon 71 of the IGHMBP2 protein (p.Arg71Leu). This variant is present in population databases (rs766757770, gnomAD 0.009%). This variant has not been reported in the literature in individuals affected with IGHMBP2-related conditions. ClinVar contains an entry for this variant (Variation ID: 917100). Advanced modeling of protein sequence and biophysical properties (such as structural, functional, and spatial information, amino acid conservation, physicochemical variation, residue mobility, and thermodynamic stability) performed at Invitae indicates that this missense variant is not expected to disrupt IGHMBP2 protein function. In summary, the available evidence is currently insufficient to determine the role of this variant in disease. Therefore, it has been classified as a Variant of Uncertain Significance.

Molecular Genetics Laboratory, London Health Sciences Centre
Classification: Uncertain significance for Charcot-Marie-Tooth disease. Review status: criteria provided, single submitter. Criteria: ACMG Guidelines, 2015. Collection method: clinical testing. Allele origin: germline. Affected: yes.

NM_002180.3(IGHMBP2):c.212G>T (p.Arg71Leu)

Gene: IGHMBP2 (immunoglobulin mu DNA binding protein 2; plus strand). Cytogenetic location: 11q13.3.
Variant type: single nucleotide variant.
Coding change: c.212G>T on transcript NM_002180.3 (MANE Select); coding-DNA position 212, G replaced by T.
Protein change: p.Arg71Leu; replaces arginine 71 with leucine.
Molecular consequence: missense variant.
Genome position (GRCh38, 1-based): chr11:68,906,194, G>T. VCF-style: chr11-68906194-G-T. GRCh37 (hg19) VCF-style: chr11-68673662-G-T.
Other names: short protein forms R71L.
Identifiers: ClinVar variation 917100 (VCV000917100.8), dbSNP rs766757770, ClinGen allele CA6153215.